The following is an entry in ClinVar:

NM_006031.6(PCNT):c.5323C>G (p.Leu1775Val)

Gene: PCNT (pericentrin; plus strand). Cytogenetic location: 21q22.3.
Variant type: single nucleotide variant.
Coding change: c.5323C>G on transcript NM_006031.6 (MANE Select); coding-DNA position 5323, C replaced by G.
Protein change: p.Leu1775Val; replaces leucine 1775 with valine.
Molecular consequence: missense variant.
Genome position (GRCh38, 1-based): chr21:46,411,396, C>G. VCF-style: chr21-46411396-C-G. GRCh37 (hg19) VCF-style: chr21-47831310-C-G.
Other names: c.4969C>G, p.Leu1657Val (NM_001315529.2); short protein forms L1775V, L1657V.
Identifiers: ClinVar variation 385225 (VCV000385225.2), dbSNP rs147409139, ClinGen allele CA10079943.

ClinVar aggregate classification (germline): Likely benign. Review status: criteria provided, single submitter (1 of 4 stars). 2 submissions from 2 submitters: Likely benign (1). 1 of the submissions does not count toward it. Last evaluated 2016-04-08.

Conditions:
PCNT-related disorder. Also called: PCNT-related condition.

Allele frequency attached by ClinVar (database versions not stated): TOPMed 0.00004; gnomAD 0.00005; 1000 Genomes Project 30x 0.00016; ESP Exome Variant Server 0.00023.
gnomAD v4.1: 80 of 1,613,740 alleles (0.005%); highest among the groups gnomAD compares: Non-Finnish European, 0.0064%; no homozygotes.

Submissions (2):

GeneDx
Classification: Likely benign. Last evaluated: 2016-04-08. Review status: criteria provided, single submitter. Criteria: GeneDx Variant Classification (06012015). Collection method: clinical testing. Allele origin: germline. Affected: yes.
Comment: This variant is considered likely benign or benign based on one or more of the following criteria: it is a conservative change, it occurs at a poorly conserved position in the protein, it is predicted to be benign by multiple in silico algorithms, and/or has population frequency not consistent with disease.

PreventionGenetics, part of Exact Sciences
Classification: Uncertain significance for PCNT-related condition. Last evaluated: 2024-08-02. Review status: no assertion criteria provided. Collection method: clinical testing. Allele origin: germline. Not counted in ClinVar's aggregate classification.
Comment: The PCNT c.5323C>G variant is predicted to result in the amino acid substitution p.Leu1775Val. To our knowledge, this variant has not been reported in the literature. This variant is reported in 0.00089% of alleles in individuals of European (Non-Finnish) descent in gnomAD. At this time, the clinical significance of this variant is uncertain due to the absence of conclusive functional and genetic evidence.